The following is an entry in ClinVar:

NM_000257.4(MYH7):c.-7C>T

Gene: MYH7 (myosin heavy chain 7; minus strand). Cytogenetic location: 14q11.2.
Variant type: single nucleotide variant.
Coding change: c.-7C>T on transcript NM_000257.4 (MANE Select); 7 bases upstream of the start codon, C replaced by T.
Molecular consequence: 5 prime UTR variant.
Genome position (GRCh38, 1-based): chr14:23,433,739, G>A on the plus strand (C>T on the coding strand, the complement: MYH7 is on the minus strand). VCF-style: chr14-23433739-G-A. GRCh37 (hg19) VCF-style: chr14-23902948-G-A.
Other names: c.-7C>T (NM_001407004.1).
Identifiers: ClinVar variation 3893996 (VCV003893996.1).

ClinVar aggregate classification (germline): Uncertain significance (1 of 4 stars; one submission).

Conditions:
Cardiomyopathy (CMYO). Also called: Cardiomyopathies. Identifiers: Orphanet 167848, MedGen C0878544, MONDO:0004994, HP:0001638. Inheritance: Various modes of inheritance.

Submission:

Color Diagnostics, LLC DBA Color Health
Classification: Uncertain significance for Cardiomyopathy. Last evaluated: 2024-07-26. Review status: criteria provided, single submitter. Criteria: ACMG Guidelines, 2015. Collection method: clinical testing. Allele origin: germline.
Comment: This variant is located in the 5' untranslated region of the MYH7 gene. To our knowledge, functional studies have not been reported for this variant. This variant has not been reported in individuals affected with MYH7-related disorders in the literature. This variant has not been identified in the general population by the Genome Aggregation Database (gnomAD). The available evidence is insufficient to determine the role of this variant in disease conclusively. Therefore, this variant is classified as a Variant of Uncertain Significance.